The following is an entry in ClinVar:

ClinVar aggregate classification (germline): Uncertain significance (1 of 4 stars; one submission).

Conditions:
IL21R-related disorder. Also called: IL21R-related condition.

Allele frequency attached by ClinVar (database versions not stated): gnomAD exomes below 0.00001; ExAC 0.00001.
gnomAD v4.1: 1 of 1,613,442 alleles (0.000062%); highest among the groups gnomAD compares: African/African-American, 0.0013%; no homozygotes.

Submission:

PreventionGenetics, part of Exact Sciences
Classification: Uncertain significance for IL21R-related condition. Last evaluated: 2023-01-18. Review status: criteria provided, single submitter. Criteria: ACMG Guidelines, 2015. Collection method: clinical testing. Allele origin: germline.
Comment: The IL21R c.1072T>G variant is predicted to result in the amino acid substitution p.Ser358Ala. To our knowledge, this variant has not been reported in the literature. This variant is reported in 0.0062% of alleles in individuals of African descent in gnomAD. At this time, the clinical significance of this variant is uncertain due to the absence of conclusive functional and genetic evidence.

NM_181078.3(IL21R):c.1072T>G (p.Ser358Ala)

Genes: IL21R (interleukin 21 receptor; plus strand), IL21R-AS1 (IL21R antisense RNA 1; minus strand). Cytogenetic location: 16p12.1.
Variant type: single nucleotide variant.
Coding change: c.1072T>G on transcript NM_181078.3 (MANE Select); coding-DNA position 1072, T replaced by G.
Protein change: p.Ser358Ala; replaces serine 358 with alanine.
Molecular consequence: missense variant. On other transcripts: non-coding transcript variant (1).
Genome position (GRCh38, 1-based): chr16:27,448,738, T>G. VCF-style: chr16-27448738-T-G. GRCh37 (hg19) VCF-style: chr16-27460059-T-G.
Other names: c.1072T>G, p.Ser358Ala (NM_021798.4); c.1138T>G, p.Ser380Ala (NM_181079.5); short protein forms S358A, S380A.
Identifiers: ClinVar variation 2635770 (VCV002635770.1), dbSNP rs781457680, ClinGen allele CA7975145.
Genomic context (GRCh38, chr16:27,448,738, plus strand): 5'-GCAGAGCTGGTGGAGTCTGACGGTGTGCCCAAGCCCAGCTTCTGGCCGACAGCCCAGAAC[T>G]CGGGGGGCTCAGCTTACAGTGAGGAGAGGGATCGGCCATACGGCCTGGTGTCCATTGACA-3'
Protein context (NP_851564.1, residues 348-368): KPSFWPTAQN[Ser358Ala]GGSAYSEERD